The following is an entry in ClinVar:

NM_001875.5(CPS1):c.413_414del (p.Lys138fs)

Gene: CPS1 (carbamoyl-phosphate synthase 1; plus strand). Cytogenetic location: 2q34.
Variant type: Deletion.
Coding change: c.413_414del on transcript NM_001875.5 (MANE Select); coding-DNA positions 413 to 414, 2 bases deleted (AA; older notation c.413_414delAA).
Protein change: p.Lys138fs; shifts the reading frame from lysine 138.
Molecular consequence: frameshift variant. On other transcripts: non-coding transcript variant (1).
Genome position (GRCh38, 1-based): chr2:210,577,452-210,577,453, AA deleted; deleting any 2 consecutive bases within chr2:210,577,451-210,577,453 gives the same sequence; the c. name uses the placement nearest the transcript's 3' end. VCF-style (leftmost placement, unchanged base first): chr2-210577450-TAA-T. GRCh37 (hg19) VCF-style: chr2-211442174-TAA-T.
Other names: c.413_414del, p.Lys138fs (NM_001122633.3, NM_001369257.1); c.446_447del, p.Lys149fs (NM_001369256.1); short protein forms K149fs, K138fs.
Identifiers: ClinVar variation 5003776 (VCV005003776.1).

ClinVar aggregate classification (germline): Pathogenic (1 of 4 stars; one submission).

Conditions:
Congenital hyperammonemia, type I. Also called: CPS I DEFICIENCY; Carbamoyl phosphate synthetase I deficiency disease; Carbamoyl-phosphate synthase I deficiency; Carbamoyl phosphate synthetase 1 deficiency; Hyperammonemia due to carbamoyl phosphate synthetase 1 deficiency; CPS 1 deficiency. Identifiers: Orphanet 147, MedGen C4082171, MONDO:0009376, OMIM 237300.

Submission:

Myriad Genetics, Inc.
Classification: Pathogenic for Congenital hyperammonemia, type I. Last evaluated: 2025-07-25. Review status: criteria provided, single submitter. Criteria: Myriad Autosomal Dominant, Autosomal Recessive and X-Linked Classification Criteria (2023). Collection method: clinical testing. Allele origin: unknown.
Comment: NM_001875.4(CPS1):c.413_414delAA(K138Rfs*33) is a frameshift variant classified as pathogenic in the context of carbamoylphosphate synthetase I deficiency. K138Rfs*33 has not been observed in cases with relevant disease. Relevant functional assessments of this variant are not available in the literature. K138Rfs*33 has not been observed in referenced population frequency databases. In summary, NM_001875.4(CPS1):c.413_414delAA(K138Rfs*33) is a frameshift variant in a gene where loss of function is a known mechanism of disease and is predicted to disrupt protein function. Please note: this variant was assessed in the context of healthy population screening.